The following is an entry in ClinVar:

ClinVar aggregate classification (germline): Benign/Likely benign. Review status: criteria provided, multiple submitters, no conflicts (2 of 4 stars). 5 submissions from 5 submitters: Benign (1); Likely benign (4). Last evaluated 2025-03-21.

Conditions:
Hereditary cancer-predisposing syndrome. Also called: Hereditary neoplastic syndrome; Neoplastic Syndromes, Hereditary; Tumor predisposition; Hereditary Cancer Syndrome. Identifiers: Orphanet 140162, MedGen C0027672, MeSH D009386, MONDO:0015356.
Familial thoracic aortic aneurysm and aortic dissection (TAAD). Also called: Thoracic aortic aneurysms and dissections. Identifiers: Orphanet 91387, MedGen C4707243, MONDO:0019625.
Juvenile polyposis syndrome (JPS). Identifiers: Orphanet 2929, MedGen C0345893, MONDO:0017380, OMIM 174900.
Juvenile polyposis/hereditary hemorrhagic telangiectasia syndrome (JPHT). Also called: Juvenile Polyposis Syndrome / Hereditary Hemorrhagic Telangiectasia (JPS/HHT); JP/HHT SYNDROME; JUVENILE POLYPOSIS WITH HEREDITARY HEMORRHAGIC TELANGIECTASIA; POLYPOSIS, GENERALIZED JUVENILE, WITH PULMONARY ARTERIOVENOUS MALFORMATION; TELANGIECTASIA, HEREDITARY HEMORRHAGIC, WITH JUVENILE POLYPOSIS COLI. Identifiers: Orphanet 2929, MedGen C1832942, MONDO:0008278, OMIM 175050.

Allele frequency attached by ClinVar (database versions not stated): gnomAD exomes below 0.00001.
gnomAD v4.1: 2 of 1,614,228 alleles (0.00012%); highest among the groups gnomAD compares: African/African-American, 0.0013%; no homozygotes.

Submissions (5):

Myriad Genetics, Inc.
Classification: Benign for Juvenile polyposis/hereditary hemorrhagic telangiectasia syndrome. Last evaluated: 2025-03-21. Review status: criteria provided, single submitter. Criteria: Myriad Autosomal Dominant, Autosomal Recessive and X-Linked Classification Criteria (2023). Collection method: clinical testing. Allele origin: unknown.
Comment: This variant is considered benign. This variant is a silent/synonymous amino acid change and it is not expected to impact splicing.

Labcorp Genetics (formerly Invitae), Labcorp
Classification: Likely benign for Juvenile polyposis syndrome. Last evaluated: 2024-11-22. Review status: criteria provided, single submitter. Criteria: Invitae Variant Classification Sherloc (09022015). Collection method: clinical testing. Allele origin: germline.

Color Diagnostics, LLC DBA Color Health
Classification: Likely benign for Hereditary cancer-predisposing syndrome. Last evaluated: 2019-11-06. Review status: criteria provided, single submitter. Criteria: ACMG Guidelines, 2015. Collection method: clinical testing. Allele origin: germline.

Ambry Genetics
Classification: Likely benign for Hereditary cancer-predisposing syndrome; Familial thoracic aortic aneurysm and aortic dissection. Last evaluated: 2018-11-26. Review status: criteria provided, single submitter. Criteria: Ambry Variant Classification Scheme 2023. Collection method: clinical testing. Allele origin: germline.

GeneDx
Classification: Likely benign. Last evaluated: 2018-06-12. Review status: criteria provided, single submitter. Criteria: GeneDx Variant Classification (06012015). Collection method: clinical testing. Allele origin: germline. Affected: yes.
Comment: This variant is considered likely benign or benign based on one or more of the following criteria: it is a conservative change, it occurs at a poorly conserved position in the protein, it is predicted to be benign by multiple in silico algorithms, and/or has population frequency not consistent with disease.

NM_005359.6(SMAD4):c.1119A>T (p.Thr373=)

Gene: SMAD4 (SMAD family member 4; plus strand). Cytogenetic location: 18q21.2.
Variant type: single nucleotide variant.
Coding change: c.1119A>T on transcript NM_005359.6 (MANE Select); coding-DNA position 1119, A replaced by T.
Protein change: p.Thr373=; no amino-acid change (threonine 373 retained).
Molecular consequence: synonymous variant.
Genome position (GRCh38, 1-based): chr18:51,065,586, A>T. VCF-style: chr18-51065586-A-T. GRCh37 (hg19) VCF-style: chr18-48591956-A-T.
Identifiers: ClinVar variation 672271 (VCV000672271.19), dbSNP rs1166695591, ClinGen allele CA503874182.